The following is an entry in ClinVar:

NM_015192.4(PLCB1):c.2650G>A (p.Ala884Thr)

Gene: PLCB1 (phospholipase C beta 1; plus strand). Cytogenetic location: 20p12.3.
Variant type: single nucleotide variant.
Coding change: c.2650G>A on transcript NM_015192.4 (MANE Select); coding-DNA position 2650, G replaced by A.
Protein change: p.Ala884Thr; replaces alanine 884 with threonine.
Molecular consequence: missense variant.
Genome position (GRCh38, 1-based): chr20:8,757,172, G>A. VCF-style: chr20-8757172-G-A. GRCh37 (hg19) VCF-style: chr20-8737819-G-A.
Other names: c.2650G>A, p.Ala884Thr (NM_182734.3); short protein forms A884T.
Identifiers: ClinVar variation 487235 (VCV000487235.7), dbSNP rs1274123563, ClinGen allele CA408207436.

ClinVar aggregate classification (germline): Uncertain significance (1 of 4 stars; one submission).

Conditions:
Developmental and epileptic encephalopathy, 12 (DEE12). Identifiers: MedGen C3150988, MONDO:0013389, OMIM 613722.

gnomAD v4.1: 2 of 1,609,216 alleles (0.00012%); highest among the groups gnomAD compares: East Asian, 0.0022%; no homozygotes.

Submission:

Labcorp Genetics (formerly Invitae), Labcorp
Classification: Uncertain significance for Developmental and epileptic encephalopathy, 12. Last evaluated: 2020-03-04. Review status: criteria provided, single submitter. Criteria: Invitae Variant Classification Sherloc (09022015). Collection method: clinical testing. Allele origin: germline.
Comment: Algorithms developed to predict the effect of missense changes on protein structure and function output the following: SIFT: "Tolerated"; PolyPhen-2: "Benign"; Align-GVGD: "Class C0". The threonine amino acid residue is found in multiple mammalian species, suggesting that this missense change does not adversely affect protein function. These predictions have not been confirmed by published functional studies and their clinical significance is uncertain. In summary, the available evidence is currently insufficient to determine the role of this variant in disease. Therefore, it has been classified as a Variant of Uncertain Significance. This variant has not been reported in the literature in individuals with PLCB1-related disease. This variant is not present in population databases (ExAC no frequency). This sequence change replaces alanine with threonine at codon 884 of the PLCB1 protein (p.Ala884Thr). The alanine residue is moderately conserved and there is a small physicochemical difference between alanine and threonine.